The following is an entry in ClinVar:

ClinVar aggregate classification (germline): Uncertain significance. Review status: criteria provided, multiple submitters, no conflicts (2 of 4 stars). 2 submissions from 2 submitters: Uncertain significance (2). Last evaluated 2025-03-28.

Conditions:
Inborn genetic diseases. Identifiers: MedGen C0950123, MeSH D030342.

Allele frequency attached by ClinVar (database versions not stated): gnomAD 0.00001; TOPMed 0.00001.
gnomAD v4.1: 6 of 1,612,736 alleles (0.00037%); highest among the groups gnomAD compares: Admixed American, 0.0017%; no homozygotes.

Submissions (2):

Ambry Genetics
Classification: Uncertain significance for Inborn genetic diseases. Last evaluated: 2025-03-28. Review status: criteria provided, single submitter. Criteria: Ambry Variant Classification Scheme 2023. Collection method: clinical testing. Allele origin: germline.

Labcorp Genetics (formerly Invitae), Labcorp
Classification: Uncertain significance. Last evaluated: 2021-12-13. Review status: criteria provided, single submitter. Criteria: Invitae Variant Classification Sherloc (09022015). Collection method: clinical testing. Allele origin: germline.
Comment: In summary, the available evidence is currently insufficient to determine the role of this variant in disease. Therefore, it has been classified as a Variant of Uncertain Significance. Algorithms developed to predict the effect of missense changes on protein structure and function are either unavailable or do not agree on the potential impact of this missense change (SIFT: "Deleterious"; PolyPhen-2: "Benign"; Align-GVGD: "Class C25"). This variant has not been reported in the literature in individuals affected with SLC24A5-related conditions. This variant is not present in population databases (gnomAD no frequency). This sequence change replaces arginine, which is basic and polar, with isoleucine, which is neutral and non-polar, at codon 305 of the SLC24A5 protein (p.Arg305Ile).

NM_205850.3(SLC24A5):c.914G>T (p.Arg305Ile)

Genes: MYEF2 (myelin expression factor 2; minus strand), SLC24A5 (solute carrier family 24 member 5; plus strand). Cytogenetic location: 15q21.1.
Variant type: single nucleotide variant.
Coding change: c.914G>T on transcript NM_205850.3 (MANE Select); coding-DNA position 914, G replaced by T.
Protein change: p.Arg305Ile; replaces arginine 305 with isoleucine.
Molecular consequence: missense variant. On other transcripts: 3 prime UTR variant (2).
Genome position (GRCh38, 1-based): chr15:48,139,011, G>T. VCF-style: chr15-48139011-G-T. GRCh37 (hg19) VCF-style: chr15-48431208-G-T.
Other names: c.*3897C>A (NM_001301210.2, NM_016132.5); c.914G>T (NM_205850.2); short protein forms R305I.
Identifiers: ClinVar variation 2184192 (VCV002184192.3), dbSNP rs777788775, ClinGen allele CA392452368.